The following is an entry in ClinVar:

ClinVar aggregate classification (germline): Benign/Likely benign. Review status: criteria provided, multiple submitters, no conflicts (2 of 4 stars). 4 submissions from 4 submitters: Benign (1); Likely benign (3). Last evaluated 2025-08-11.

Conditions:
Hereditary cancer-predisposing syndrome. Also called: Hereditary neoplastic syndrome; Tumor predisposition; Hereditary Cancer Syndrome; Neoplastic Syndromes, Hereditary. Identifiers: Orphanet 140162, MedGen C0027672, MeSH D009386, MONDO:0015356.
Familial cancer of breast. Also called: Hereditary breast cancer; hereditary breast carcinoma; BREAST CANCER, FAMILIAL. Identifiers: Orphanet 227535, MedGen C0346153, MONDO:0016419, OMIM 114480. Disease mechanism: loss of function.

Submissions (4):

Labcorp Genetics (formerly Invitae), Labcorp
Classification: Likely benign for Familial cancer of breast. Last evaluated: 2025-08-11. Review status: criteria provided, single submitter. Criteria: Invitae Variant Classification Sherloc (09022015). Collection method: clinical testing. Allele origin: germline.

Myriad Genetics, Inc.
Classification: Benign for Familial cancer of breast. Last evaluated: 2025-01-13. Review status: criteria provided, single submitter. Criteria: Myriad Autosomal Dominant, Autosomal Recessive and X-Linked Classification Criteria (2023). Collection method: clinical testing. Allele origin: unknown.
Comment: This variant is considered benign. This variant is a silent/synonymous amino acid change and it is not expected to impact splicing.

Ambry Genetics
Classification: Likely benign for Hereditary cancer-predisposing syndrome. Last evaluated: 2019-05-19. Review status: criteria provided, single submitter. Criteria: Ambry Variant Classification Scheme 2023. Collection method: clinical testing. Allele origin: germline.

Color Diagnostics, LLC DBA Color Health
Classification: Likely benign for Hereditary cancer-predisposing syndrome. Last evaluated: 2016-04-18. Review status: criteria provided, single submitter. Criteria: ACMG Guidelines, 2015. Collection method: clinical testing. Allele origin: germline.

NM_024675.4(PALB2):c.1041A>G (p.Glu347=)

Gene: PALB2 (partner and localizer of BRCA2; minus strand). Cytogenetic location: 16p12.2.
Variant type: single nucleotide variant.
Coding change: c.1041A>G on transcript NM_024675.4 (MANE Select); coding-DNA position 1041, A replaced by G.
Protein change: p.Glu347=; no amino-acid change (glutamic acid 347 retained).
Molecular consequence: synonymous variant.
Genome position (GRCh38, 1-based): chr16:23,635,505, T>C on the plus strand (A>G on the coding strand, the complement: PALB2 is on the minus strand). VCF-style: chr16-23635505-T-C. GRCh37 (hg19) VCF-style: chr16-23646826-T-C.
Identifiers: ClinVar variation 492144 (VCV000492144.9), dbSNP rs1555461486, ClinGen allele CA494461633.